The following is an entry in ClinVar:

ClinVar aggregate classification (germline): Conflicting classifications of pathogenicity. Review status: criteria provided, conflicting classifications (1 of 4 stars). 5 submissions from 5 submitters: Uncertain significance (3); Likely benign (1). 1 of the submissions does not count toward it. Last evaluated 2026-01-12.

Conditions:
Cardiovascular phenotype. Identifiers: MedGen CN230736.
Meniere disease. Also called: Ménière's disease. Identifiers: MedGen C0025281, MONDO:0007972, OMIM 156000.
Long QT syndrome (LQTS). Identifiers: MedGen C0023976, MeSH D008133, MONDO:0002442. Disease mechanism: loss of function. Inheritance: Various modes of inheritance.
Cardiac arrhythmia, ankyrin-B-related. Also called: ANKYRIN-B SYNDROME. Identifiers: Orphanet 101016, Orphanet 768, MedGen C1970119, MONDO:0010958, OMIM 600919.

Allele frequency attached by ClinVar (database versions not stated): ExAC 0.00002; gnomAD exomes 0.00004; ESP Exome Variant Server 0.00008; TOPMed 0.00009; gnomAD 0.00010 and 0.00011.
gnomAD v4.1: 90 of 1,613,306 alleles (0.0056%); highest among the groups gnomAD compares: African/African-American, 0.037%; no homozygotes.

Submissions (5):

Labcorp Genetics (formerly Invitae), Labcorp
Classification: Uncertain significance for Long QT syndrome. Last evaluated: 2026-01-12. Review status: criteria provided, single submitter. Criteria: Invitae Variant Classification Sherloc (09022015). Collection method: clinical testing. Allele origin: germline.
Comment: This sequence change replaces arginine, which is basic and polar, with glutamine, which is neutral and polar, at codon 3602 of the ANK2 protein (p.Arg3602Gln). This variant is present in population databases (rs374991526, gnomAD 0.05%), and has an allele count higher than expected for a pathogenic variant. This variant has not been reported in the literature in individuals affected with ANK2-related conditions. ClinVar contains an entry for this variant (Variation ID: 264145). Invitae Evidence Modeling of protein sequence and biophysical properties (such as structural, functional, and spatial information, amino acid conservation, physicochemical variation, residue mobility, and thermodynamic stability) has been performed for this missense variant. However, the output from this modeling did not meet the statistical confidence thresholds required to predict the impact of this variant on ANK2 protein function. In summary, the available evidence is currently insufficient to determine the role of this variant in disease. Therefore, it has been classified as a Variant of Uncertain Significance.

CeGaT Center for Human Genetics Tuebingen
Classification: Uncertain significance. Last evaluated: 2023-07-01. Review status: criteria provided, single submitter. Criteria: CeGaT Center For Human Genetics Tuebingen Variant Classification Criteria Version 2. Collection method: clinical testing. Allele origin: germline. Affected: yes. Observed: 1 variant allele.

Ambry Genetics
Classification: Likely benign for Cardiovascular phenotype. Last evaluated: 2022-04-15. Review status: criteria provided, single submitter. Criteria: Ambry Variant Classification Scheme 2023. Collection method: clinical testing. Allele origin: germline.

Fulgent Genetics
Classification: Uncertain significance for Cardiac arrhythmia, ankyrin-B-related. Last evaluated: 2021-08-12. Review status: criteria provided, single submitter. Criteria: ACMG Guidelines, 2015. Collection method: clinical testing. Allele origin: unknown.

Center for Computational Biology & Bioinformatics, University of California, San Diego
Classification: Uncertain significance for Meniere disease. Last evaluated: 2024-06-03. Review status: no assertion criteria provided. Collection method: research. Allele origin: germline. Affected: yes. Not counted in ClinVar's aggregate classification.

NM_001148.6(ANK2):c.10805G>A (p.Arg3602Gln)

Gene: ANK2 (ankyrin 2; plus strand). Cytogenetic location: 4q26.
Variant type: single nucleotide variant.
Coding change: c.10805G>A on transcript NM_001148.6 (MANE Select); coding-DNA position 10805, G replaced by A.
Protein change: p.Arg3602Gln; replaces arginine 3602 with glutamine.
Molecular consequence: missense variant.
Genome position (GRCh38, 1-based): chr4:113,363,386, G>A. VCF-style: chr4-113363386-G-A. GRCh37 (hg19) VCF-style: chr4-114284542-G-A.
Other names: c.4523G>A, p.Arg1508Gln (NM_001127493.3); c.4562G>A, p.Arg1521Gln (NM_001354225.2); c.4451G>A, p.Arg1484Gln (NM_001354228.2, NM_001354258.2); c.4529G>A, p.Arg1510Gln (NM_001354230.2); c.4592G>A, p.Arg1531Gln (NM_001354231.2, NM_001354242.2); c.4586G>A, p.Arg1529Gln (NM_001354232.2); c.4547G>A, p.Arg1516Gln (NM_001354235.2, NM_001354246.2, NM_001354265.2); c.4448G>A, p.Arg1483Gln (NM_001354236.2); and 35 more; short protein forms R1508Q, R3602Q, R1422Q, R1462Q, R1484Q, R1495Q, R1517Q, R1521Q.
Identifiers: ClinVar variation 264145 (VCV000264145.37), dbSNP rs374991526, ClinGen allele CA3052138.